The following is an entry in ClinVar:

ClinVar aggregate classification (germline): Uncertain significance. Review status: criteria provided, single submitter (1 of 4 stars). 2 submissions from 2 submitters: Uncertain significance (1). 1 of the submissions does not count toward it. Last evaluated 2022-02-22.

Conditions:
Carnitine palmitoyltransferase II deficiency. Also called: Carnitine Palmitoyltransferase 2 Deficiency. Identifiers: Orphanet 157, MedGen C0342790, MONDO:0015515.

Allele frequency attached by ClinVar (database versions not stated): gnomAD 0.00001; TOPMed 0.00002.
gnomAD v4.1: 1 of 1,614,038 alleles (0.000062%); highest among the groups gnomAD compares: Admixed American, 0.0017%; no homozygotes.

Submissions (2):

Labcorp Genetics (formerly Invitae), Labcorp
Classification: Uncertain significance for Carnitine palmitoyltransferase II deficiency. Last evaluated: 2022-02-22. Review status: criteria provided, single submitter. Criteria: Invitae Variant Classification Sherloc (09022015). Collection method: clinical testing. Allele origin: germline.
Comment: This sequence change replaces aspartic acid, which is acidic and polar, with glutamic acid, which is acidic and polar, at codon 328 of the CPT2 protein (p.Asp328Glu). This variant is not present in population databases (gnomAD no frequency). In summary, the available evidence is currently insufficient to determine the role of this variant in disease. Therefore, it has been classified as a Variant of Uncertain Significance. Algorithms developed to predict the effect of sequence changes on RNA splicing suggest that this variant may create or strengthen a splice site. Advanced modeling of protein sequence and biophysical properties (such as structural, functional, and spatial information, amino acid conservation, physicochemical variation, residue mobility, and thermodynamic stability) performed at Invitae indicates that this missense variant is not expected to disrupt CPT2 protein function. ClinVar contains an entry for this variant (Variation ID: 591113). This variant has not been reported in the literature in individuals affected with CPT2-related conditions.

Gharavi Laboratory, Columbia University
Classification: Uncertain significance. Last evaluated: 2018-09-16. Review status: no assertion criteria provided. Criteria: ACMG Guidelines, 2015. Collection method: research. Allele origin: germline. Affected: yes. Not counted in ClinVar's aggregate classification.

NM_000098.3(CPT2):c.984T>A (p.Asp328Glu)

Gene: CPT2 (carnitine palmitoyltransferase 2; plus strand). Cytogenetic location: 1p32.3.
Variant type: single nucleotide variant.
Coding change: c.984T>A on transcript NM_000098.3 (MANE Select); coding-DNA position 984, T replaced by A.
Protein change: p.Asp328Glu; replaces aspartic acid 328 with glutamic acid.
Molecular consequence: missense variant.
Genome position (GRCh38, 1-based): chr1:53,210,658, T>A. VCF-style: chr1-53210658-T-A. GRCh37 (hg19) VCF-style: chr1-53676330-T-A.
Other names: c.984T>A, p.Asp328Glu (NM_001330589.2); short protein forms D328E.
Identifiers: ClinVar variation 591113 (VCV000591113.3), dbSNP rs1408974808, ClinGen allele CA340394261.